The following is an entry in ClinVar:

NM_005591.4(MRE11):c.473C>A (p.Ser158Tyr)

Gene: MRE11 (MRE11 double strand break repair nuclease; minus strand). Cytogenetic location: 11q21.
Variant type: single nucleotide variant.
Coding change: c.473C>A on transcript NM_005591.4 (MANE Select); coding-DNA position 473, C replaced by A.
Protein change: p.Ser158Tyr; replaces serine 158 with tyrosine.
Molecular consequence: missense variant.
Genome position (GRCh38, 1-based): chr11:94,478,806, G>T on the plus strand (C>A on the coding strand, the complement: MRE11 is on the minus strand). VCF-style: chr11-94478806-G-T. GRCh37 (hg19) VCF-style: chr11-94211972-G-T.
Other names: c.473C>A, p.Ser158Tyr (NM_001330347.2, NM_005590.4); short protein forms S158Y.
Identifiers: ClinVar variation 479744 (VCV000479744.7), dbSNP rs1555015193, ClinGen allele CA382377519.

ClinVar aggregate classification (germline): Uncertain significance (1 of 4 stars; one submission).

Conditions:
Hereditary cancer-predisposing syndrome. Also called: Hereditary Cancer Syndrome; Neoplastic Syndromes, Hereditary; Tumor predisposition; Hereditary neoplastic syndrome. Identifiers: Orphanet 140162, MedGen C0027672, MeSH D009386, MONDO:0015356.

Allele frequency attached by ClinVar (database versions not stated): gnomAD exomes below 0.00001.
gnomAD v4.1: 1 of 1,613,802 alleles (0.000062%); highest among the groups gnomAD compares: Non-Finnish European, 0.000085%; no homozygotes.

Submission:

Ambry Genetics
Classification: Uncertain significance for Hereditary cancer-predisposing syndrome. Last evaluated: 2025-04-10. Review status: criteria provided, single submitter. Criteria: Ambry Variant Classification Scheme 2023. Collection method: clinical testing. Allele origin: germline.
Comment: The p.S158Y variant (also known as c.473C>A), located in coding exon 5 of the MRE11A gene, results from a C to A substitution at nucleotide position 473. The serine at codon 158 is replaced by tyrosine, an amino acid with dissimilar properties. This amino acid position is highly conserved in available vertebrate species. In addition, this alteration is predicted to be deleterious by in silico analysis. Since supporting evidence is limited at this time, the clinical significance of this alteration remains unclear.